The following is an entry in ClinVar:

ClinVar aggregate classification (germline): Benign/Likely benign. Review status: criteria provided, multiple submitters, no conflicts (2 of 4 stars). 9 submissions from 9 submitters: Benign (6); Likely benign (2). 1 of the submissions does not count toward it. Last evaluated 2026-02-02.

Conditions:
Becker muscular dystrophy (BMD). Also called: MUSCULAR DYSTROPHY, PSEUDOHYPERTROPHIC PROGRESSIVE, BECKER TYPE; Becker Muscular Dystrophy (BMD). Identifiers: Orphanet 98895, MedGen C0917713, MONDO:0010311, OMIM 300376.
Duchenne muscular dystrophy (DMD). Also called: Duchenne Muscular Dystrophy (DMD); MUSCULAR DYSTROPHY, PSEUDOHYPERTROPHIC PROGRESSIVE, DUCHENNE TYPE. Identifiers: Orphanet 98896, MedGen C0013264, MONDO:0010679, OMIM 310200.
Cardiomyopathy (CMYO). Also called: Cardiomyopathies. Identifiers: Orphanet 167848, MedGen C0878544, MONDO:0004994, HP:0001638. Inheritance: Various modes of inheritance.
Dystrophin deficiency.

Allele frequency attached by ClinVar (database versions not stated): 1000 Genomes Project 30x 0.00042; TOPMed 0.00173; gnomAD exomes 0.00194 and 0.00271; gnomAD 0.00198 and 0.00199; ESP Exome Variant Server 0.00208; ExAC 0.00213.
gnomAD v4.1: 3,175 of 1,206,506 alleles (0.26%); highest among the groups gnomAD compares: Non-Finnish European, 0.32%; 2 homozygotes.

Submissions (9):

Labcorp Genetics (formerly Invitae), Labcorp
Classification: Benign for Duchenne muscular dystrophy. Last evaluated: 2026-02-02. Review status: criteria provided, single submitter. Criteria: Invitae Variant Classification Sherloc (09022015). Collection method: clinical testing. Allele origin: germline.

Blueprint Genetics
Classification: Benign. Last evaluated: 2024-10-30. Review status: criteria provided, single submitter. Criteria: ACMG Guidelines, 2015. Collection method: clinical testing. Allele origin: germline.

ARUP Laboratories, Molecular Genetics and Genomics, ARUP Laboratories
Classification: Benign. Last evaluated: 2024-07-31. Review status: criteria provided, single submitter. Criteria: ARUP Molecular Germline Variant Investigation Process 2024. Collection method: clinical testing. Allele origin: germline.

Women's Health and Genetics/Laboratory Corporation of America, LabCorp
Classification: Benign. Last evaluated: 2023-04-10. Review status: criteria provided, single submitter. Criteria: LabCorp Variant Classification Summary - May 2015. Collection method: clinical testing. Allele origin: germline.

Center for Pediatric Genomic Medicine, Children's Mercy Hospital and Clinics
Classification: Likely benign. Last evaluated: 2017-05-17. Review status: criteria provided, single submitter. Criteria: ACMG Guidelines, 2015. Collection method: clinical testing. Allele origin: germline.

Eurofins Ntd Llc (ga)
Classification: Benign. Last evaluated: 2015-09-24. Review status: criteria provided, single submitter. Criteria: EGL Classification Definitions 2015. Collection method: clinical testing. Allele origin: germline. Observed: 3 variant alleles, 3 heterozygotes.

GeneDx
Classification: Benign. Last evaluated: 2015-08-05. Review status: criteria provided, single submitter. Criteria: GeneDx Variant Classification (06012015). Collection method: clinical testing. Allele origin: germline. Affected: yes.
Comment: This variant is considered likely benign or benign based on one or more of the following criteria: it is a conservative change, it occurs at a poorly conserved position in the protein, it is predicted to be benign by multiple in silico algorithms, and/or has population frequency not consistent with disease.

Breakthrough Genomics
Classification: Likely benign. Review status: criteria provided, single submitter. Criteria: ACMG Guidelines, 2015. Collection method: not provided. Allele origin: germline. Inheritance: X-linked inheritance. Affected: yes.

Natera, Inc.
Classification: Likely benign for Becker muscular dystrophy; Cardiomyopathy; Duchenne muscular dystrophy; Dystrophin deficiency. Last evaluated: 2018-04-10. Review status: no assertion criteria provided. Collection method: clinical testing. Allele origin: germline. Not counted in ClinVar's aggregate classification.

NM_004006.3(DMD):c.10087-20C>T

Gene: DMD (dystrophin; minus strand). Cytogenetic location: Xp21.2.
Variant type: single nucleotide variant.
Coding change: c.10087-20C>T on transcript NM_004006.3 (MANE Select); 20 bases into the intron before coding-DNA position 10087, C replaced by T.
Molecular consequence: intron variant.
Genome position (GRCh38, 1-based): chrX:31,178,825, G>A on the plus strand (C>T on the coding strand, the complement: DMD is on the minus strand). VCF-style: chrX-31178825-G-A. GRCh37 (hg19) VCF-style: chrX-31196942-G-A.
Other names: c.10063-20C>T (NM_000109.4); c.6064-20C>T (NM_004011.4); c.6055-20C>T (NM_004012.4); c.2707-20C>T (NM_004023.3, NM_004020.4, NM_004022.3 and 2 more transcripts); c.1900-20C>T (NM_004014.3); c.883-20C>T (NM_004018.3, NM_004017.3, NM_004016.3 and 2 more transcripts); c.10075-20C>T (NM_004009.3); c.9718-20C>T (NM_004010.3).
Identifiers: ClinVar variation 94423 (VCV000094423.27), dbSNP rs41303187, ClinGen allele CA147803.